The following is an entry in ClinVar:

ClinVar aggregate classification (germline): Pathogenic (1 of 4 stars; one submission).

Submission:

Labcorp Genetics (formerly Invitae), Labcorp
Classification: Pathogenic. Last evaluated: 2026-01-11. Review status: criteria provided, single submitter. Criteria: Invitae Variant Classification Sherloc (09022015). Collection method: clinical testing. Allele origin: germline.
Comment: This sequence change creates a premature translational stop signal (p.Leu1875*) in the ZNF469 gene. While this is not anticipated to result in nonsense mediated decay, it is expected to disrupt the last 2079 amino acid(s) of the ZNF469 protein. This variant is not present in population databases (gnomAD no frequency). This variant has not been reported in the literature in individuals affected with ZNF469-related conditions. This variant disrupts a region of the ZNF469 protein in which other variant(s) (p.Arg3414Glyfs*59) have been determined to be pathogenic (PMID: 32671420). This suggests that this is a clinically significant region of the protein, and that variants that disrupt it are likely to be disease-causing. For these reasons, this variant has been classified as Pathogenic.

Literature cited by the submitters: PubMed 32671420.

NM_001367624.2(ZNF469):c.5624T>A (p.Leu1875Ter)

Gene: ZNF469 (zinc finger protein 469; plus strand). Cytogenetic location: 16q24.2.
Variant type: single nucleotide variant.
Coding change: c.5624T>A on transcript NM_001367624.2 (MANE Select); coding-DNA position 5624, T replaced by A.
Protein change: p.Leu1875Ter; replaces leucine 1875 with a stop codon.
Molecular consequence: nonsense.
Genome position (GRCh38, 1-based): chr16:88,433,094, T>A. VCF-style: chr16-88433094-T-A. GRCh37 (hg19) VCF-style: chr16-88499502-T-A.
Other names: short protein forms L1875*.
Identifiers: ClinVar variation 4735112 (VCV004735112.1).